The following is an entry in ClinVar:

ClinVar aggregate classification (germline): Uncertain significance (3 of 4 stars; one submission).

Conditions:
Creatine transporter deficiency (CCDS1). Also called: Mental retardation , X-linked with seizures, short stature and midface hypoplasia; Mental retardation , X-linked, with creatine transport deficiency; X-linked creatine transporter deficiency; X-linked creatine deficiency syndrome; SLC6A8-Related Creatine Transporter Deficiency; CREATINE TRANSPORTER DEFECT. Identifiers: Orphanet 52503, MedGen C1845862, MONDO:0010305, OMIM 300352.

Submission:

ClinGen Cerebral Creatine Deficiency Syndromes Variant Curation Expert Panel, ClinGen
Classification: Uncertain significance for Creatine transporter deficiency. Last evaluated: 2026-08-12. Review status: reviewed by expert panel. Criteria: ClinGen CCDS ACMG Specifications SLC6A8 V2.1. Collection method: curation. Allele origin: germline. Inheritance: X-linked inheritance.
Comment: The NM_005629.4:c.1067G>T in SLC6A8 is a missense variant that is predicted to lead to the substitution of a glycine for a valine at amino acid 356 (p.Gly356Val). The variant was identified by SLC6A8 sequencing (PMID: 20846889) (PP4_Moderate). The patient's mother and maternal half-sister had learning difficulties but no seizures. No biochemical or MRS data was reported for these family members. No information regarding the presence/absence of this variant in the paternal grandfather was provided; therefore, it is unknown if the variant was inherited or de novo. This variant was reported to result in negligible creatine transport activity in SLC6A8-deficient fibroblasts, in the presence of 25 uM creatine (PMID: 22281021) (PS3_Supporting). The variant is absent in gnomAD v4.1.0. (PM2_Supporting). The computational predictor REVEL gives a score of 0.945 which is above the threshold of 0.75, evidence that correlates with impact to SLC6A8 function (PP3); no impact on splicing was predicted by SpliceAI. In summary, this variant meets the criteria to be classified as a variant of uncertain significance for creatine transporter deficiency. While evidence is tending towards likely pathogenic, additional data is needed before that classification can be made. SLC6A8-specific criteria applied, as specified by the ClinGen Cerebral Creatine Deficiency Syndromes Variant Curation Expert Panel (Specifications Version 2.1.0.): PP4_Moderate, PS3_Supporting, PM2_Supporting, PP3. (Classification approved by the ClinGen Cerebral Creatine Deficiency Syndromes Variant Curation Expert Panel on August 12, 2026)

Literature cited by the submitters: PubMed 22281021.

NM_005629.4(SLC6A8):c.1067G>T (p.Gly356Val)

Gene: SLC6A8 (solute carrier family 6 member 8; plus strand). Cytogenetic location: Xq28.
Variant type: single nucleotide variant.
Coding change: c.1067G>T on transcript NM_005629.4 (MANE Select); coding-DNA position 1067, G replaced by T.
Protein change: p.Gly356Val; replaces glycine 356 with valine.
Molecular consequence: missense variant.
Genome position (GRCh38, 1-based): chrX:153,693,512, G>T. VCF-style: chrX-153693512-G-T. GRCh37 (hg19) VCF-style: chrX-152958967-G-T.
Other names: NM_001142805.2:c.1037G>T; c.1037G>T, p.Gly346Val (NM_001142805.2); c.722G>T, p.Gly241Val (NM_001142806.1); short protein forms G241V, G346V, G356V.
Identifiers: ClinVar variation 5016671 (VCV005016671.1).